The following is an entry in ClinVar:

NM_000245.4(MET):c.3061T>C (p.Cys1021Arg)

Gene: MET (MET proto-oncogene, receptor tyrosine kinase; plus strand). Cytogenetic location: 7q31.2.
Variant type: single nucleotide variant.
Coding change: c.3061T>C on transcript NM_000245.4 (MANE Select); coding-DNA position 3061, T replaced by C.
Protein change: p.Cys1021Arg; replaces cysteine 1021 with arginine.
Molecular consequence: missense variant.
Genome position (GRCh38, 1-based): chr7:116,774,913, T>C. VCF-style: chr7-116774913-T-C. GRCh37 (hg19) VCF-style: chr7-116414967-T-C.
Other names: c.3115T>C, p.Cys1039Arg (NM_001127500.3); c.1771T>C, p.Cys591Arg (NM_001324402.2); short protein forms C1021R, C1039R, C591R.
Identifiers: ClinVar variation 1464923 (VCV001464923.6), dbSNP rs2117029846, ClinGen allele CA368987893.

ClinVar aggregate classification (germline): Uncertain significance (1 of 4 stars; one submission).

Conditions:
Renal cell carcinoma. Identifiers: Orphanet 217071, MedGen C0007134, MeSH D002292, MONDO:0005086, HP:0005584.

gnomAD v4.1: 1 of 1,614,192 alleles (0.000062%); highest among the groups gnomAD compares: Non-Finnish European, 0.000085%; no homozygotes.

Submission:

Labcorp Genetics (formerly Invitae), Labcorp
Classification: Uncertain significance for Renal cell carcinoma. Last evaluated: 2021-10-02. Review status: criteria provided, single submitter. Criteria: Invitae Variant Classification Sherloc (09022015). Collection method: clinical testing. Allele origin: germline.
Comment: This variant is not present in population databases (ExAC no frequency). In summary, the available evidence is currently insufficient to determine the role of this variant in disease. Therefore, it has been classified as a Variant of Uncertain Significance. Algorithms developed to predict the effect of missense changes on protein structure and function are either unavailable or do not agree on the potential impact of this missense change (SIFT: "Deleterious"; PolyPhen-2: "Probably Damaging"; Align-GVGD: "Class C0"). This variant has not been reported in the literature in individuals affected with MET-related conditions. This sequence change replaces cysteine with arginine at codon 1039 of the MET protein (p.Cys1039Arg). The cysteine residue is highly conserved and there is a large physicochemical difference between cysteine and arginine.